The following is an entry in ClinVar:

NM_005475.3(SH2B3):c.755C>G (p.Ala252Gly)

Gene: SH2B3 (SH2B adaptor protein 3; plus strand). Cytogenetic location: 12q24.12.
Variant type: single nucleotide variant.
Coding change: c.755C>G on transcript NM_005475.3 (MANE Select); coding-DNA position 755, C replaced by G.
Protein change: p.Ala252Gly; replaces alanine 252 with glycine.
Molecular consequence: missense variant.
Genome position (GRCh38, 1-based): chr12:111,446,775, C>G. VCF-style: chr12-111446775-C-G. GRCh37 (hg19) VCF-style: chr12-111884579-C-G.
Other names: c.149C>G, p.Ala50Gly (NM_001291424.1); short protein forms A50G, A252G.
Identifiers: ClinVar variation 2462938 (VCV002462938.3), dbSNP rs753938825, ClinGen allele CA6789726.

ClinVar aggregate classification (germline): Uncertain significance (1 of 4 stars; one submission).

Conditions:
Inborn genetic diseases. Identifiers: MedGen C0950123, MeSH D030342.

Allele frequency attached by ClinVar (database versions not stated): ExAC 0.00005.

Submission:

Ambry Genetics
Classification: Uncertain significance for Inborn genetic diseases. Last evaluated: 2025-03-10. Review status: criteria provided, single submitter. Criteria: Ambry Variant Classification Scheme 2023. Collection method: clinical testing. Allele origin: germline.
Comment: The p.A252G variant (also known as c.755C>G), located in coding exon 2 of the SH2B3 gene, results from a C to G substitution at nucleotide position 755. The alanine at codon 252 is replaced by glycine, an amino acid with similar properties. This amino acid position is conserved. In addition, this alteration is predicted to be tolerated by in silico analysis. Based on the available evidence, the clinical significance of this variant remains unclear.